The following is an entry in ClinVar:

NM_001330260.2(SCN8A):c.3467A>C (p.Asp1156Ala)

Gene: SCN8A (sodium voltage-gated channel alpha subunit 8; plus strand). Cytogenetic location: 12q13.13.
Variant type: single nucleotide variant.
Coding change: c.3467A>C on transcript NM_001330260.2 (MANE Select); coding-DNA position 3467, A replaced by C.
Protein change: p.Asp1156Ala; replaces aspartic acid 1156 with alanine.
Molecular consequence: missense variant.
Genome position (GRCh38, 1-based): chr12:51,769,962, A>C. VCF-style: chr12-51769962-A-C. GRCh37 (hg19) VCF-style: chr12-52163746-A-C.
Other names: c.3467A>C, p.Asp1156Ala (NM_001177984.3, NM_001369788.1, NM_014191.4); short protein forms D1156A.
Identifiers: ClinVar variation 1482772 (VCV001482772.9), dbSNP rs2138870366, ClinGen allele CA384895615.

ClinVar aggregate classification (germline): Uncertain significance (1 of 4 stars; one submission).

Conditions:
Early-infantile DEE. Also called: Ohtahara syndrome; Early infantile epileptic encephalopathy; Early infantile epileptic encephalopathy with suppression bursts. Identifiers: Orphanet 1934, MedGen C0393706, MONDO:0800491.

Submission:

Labcorp Genetics (formerly Invitae), Labcorp
Classification: Uncertain significance for Early-infantile DEE. Last evaluated: 2022-02-04. Review status: criteria provided, single submitter. Criteria: Invitae Variant Classification Sherloc (09022015). Collection method: clinical testing. Allele origin: germline.
Comment: This variant is not present in population databases (gnomAD no frequency). In summary, the available evidence is currently insufficient to determine the role of this variant in disease. Therefore, it has been classified as a Variant of Uncertain Significance. Algorithms developed to predict the effect of missense changes on protein structure and function are either unavailable or do not agree on the potential impact of this missense change (SIFT: "Deleterious"; PolyPhen-2: "Benign"; Align-GVGD: "Class C0"). This variant has not been reported in the literature in individuals affected with SCN8A-related conditions. This sequence change replaces aspartic acid, which is acidic and polar, with alanine, which is neutral and non-polar, at codon 1156 of the SCN8A protein (p.Asp1156Ala).